The following is an entry in ClinVar:

NM_001004356.3(FGFRL1):c.1474G>A (p.Val492Met)

Gene: FGFRL1 (fibroblast growth factor receptor like 1; plus strand). Cytogenetic location: 4p16.3.
Variant type: single nucleotide variant.
Coding change: c.1474G>A on transcript NM_001004356.3 (MANE Select); coding-DNA position 1474, G replaced by A.
Protein change: p.Val492Met; replaces valine 492 with methionine.
Molecular consequence: missense variant.
Genome position (GRCh38, 1-based): chr4:1,025,306, G>A. VCF-style: chr4-1025306-G-A. GRCh37 (hg19) VCF-style: chr4-1019094-G-A.
Other names: c.1474G>A (NM_001004356.2); c.1474G>A, p.Val492Met (NM_001004358.1, NM_001370296.1, NM_021923.3); short protein forms V492M.
Identifiers: ClinVar variation 1618744 (VCV001618744.10), dbSNP rs138327840, ClinGen allele CA2803140.

ClinVar aggregate classification (germline): Benign. Review status: criteria provided, single submitter (1 of 4 stars). 2 submissions from 2 submitters: Benign (1). 1 of the submissions does not count toward it. Last evaluated 2026-01-29.

Conditions:
FGFRL1-related disorder. Also called: FGFRL1-related condition.

Allele frequency attached by ClinVar (database versions not stated): gnomAD 0.00014 and 0.00212; TOPMed 0.00044; gnomAD exomes 0.00366 and 0.00867; 1000 Genomes Project 0.01418; 1000 Genomes Project 30x 0.01437; ExAC 0.02194.
gnomAD v4.1: 5,515 of 1,566,294 alleles (0.35%); highest among the groups gnomAD compares: South Asian, 5.4%; 201 homozygotes.

Submissions (2):

Labcorp Genetics (formerly Invitae), Labcorp
Classification: Benign. Last evaluated: 2026-01-29. Review status: criteria provided, single submitter. Criteria: Invitae Variant Classification Sherloc (09022015). Collection method: clinical testing. Allele origin: germline.

PreventionGenetics, part of Exact Sciences
Classification: Benign for FGFRL1-related condition. Last evaluated: 2019-04-09. Review status: no assertion criteria provided. Collection method: clinical testing. Allele origin: germline. Not counted in ClinVar's aggregate classification.
Comment: This variant is classified as benign based on ACMG/AMP sequence variant interpretation guidelines (Richards et al. 2015 PMID: 25741868, with internal and published modifications).